The following is an entry in ClinVar:

NM_014165.4(NDUFAF4):c.111C>T (p.Asn37=)

Gene: NDUFAF4 (NADH:ubiquinone oxidoreductase complex assembly factor 4; minus strand). Cytogenetic location: 6q16.1.
Variant type: single nucleotide variant.
Coding change: c.111C>T on transcript NM_014165.4 (MANE Select); coding-DNA position 111, C replaced by T.
Protein change: p.Asn37=; no amino-acid change (asparagine 37 retained).
Molecular consequence: synonymous variant.
Genome position (GRCh38, 1-based): chr6:96,897,691, G>A on the plus strand (C>T on the coding strand, the complement: NDUFAF4 is on the minus strand). VCF-style: chr6-96897691-G-A. GRCh37 (hg19) VCF-style: chr6-97345567-G-A.
Other names: p.N37N:AAC>AAT; p.Asn37=.
Identifiers: ClinVar variation 138459 (VCV000138459.16), dbSNP rs139675421, ClinGen allele CA292454.

ClinVar aggregate classification (germline): Benign/Likely benign. Review status: criteria provided, multiple submitters, no conflicts (2 of 4 stars). 5 submissions from 5 submitters: Benign (3); Likely benign (2). Last evaluated 2026-01-01.

Conditions:
Mitochondrial complex I deficiency, nuclear type 1. Also called: NADH-COENZYME Q REDUCTASE DEFICIENCY; MITOCHONDRIAL NADH DEHYDROGENASE COMPONENT OF COMPLEX I, DEFICIENCY OF. Identifiers: MedGen C6022305, MONDO:0100224, OMIM 252010.

Allele frequency attached by ClinVar (database versions not stated): ESP Exome Variant Server 0.00062; gnomAD 0.00064 and 0.00167; TOPMed 0.00088; 1000 Genomes Project 0.00519; gnomAD exomes 0.00536; 1000 Genomes Project 30x 0.00562.

Submissions (5):

Labcorp Genetics (formerly Invitae), Labcorp
Classification: Benign. Last evaluated: 2026-01-01. Review status: criteria provided, single submitter. Criteria: Invitae Variant Classification Sherloc (09022015). Collection method: clinical testing. Allele origin: germline.

Mayo Clinic Laboratories, Mayo Clinic
Classification: Benign. Last evaluated: 2025-05-07. Review status: criteria provided, single submitter. Criteria: ACMG Guidelines, 2015. Collection method: clinical testing. Allele origin: germline. Observed: 5 variant alleles.
Comment: BS1, BS2, BP4, BP7

Illumina Laboratory Services, Illumina
Classification: Likely benign for Mitochondrial complex I deficiency, nuclear type 1. Last evaluated: 2018-01-13. Review status: criteria provided, single submitter. Criteria: ICSL Variant Classification Criteria 13 December 2019. Collection method: clinical testing. Allele origin: germline.
Comment: This variant was observed in the ICSL laboratory as part of a predisposition screen in an ostensibly healthy population. It had not been previously curated by ICSL or reported in the Human Gene Mutation Database (HGMD: prior to June 1st, 2018), and was therefore a candidate for classification through an automated scoring system. Utilizing variant allele frequency, disease prevalence and penetrance estimates, and inheritance mode, an automated score was calculated to assess if this variant is too frequent to cause the disease. Based on the score and internal cut-off values, a variant classified as likely benign is not then subjected to further curation. The score for this variant resulted in a classification of likely benign for this disease.

GeneDx
Classification: Benign. Last evaluated: 2013-09-17. Review status: criteria provided, single submitter. Criteria: GeneDx Variant Classification (06012015). Collection method: clinical testing. Allele origin: germline. Affected: yes.
Comment: This variant is considered likely benign or benign based on one or more of the following criteria: it is a conservative change, it occurs at a poorly conserved position in the protein, it is predicted to be benign by multiple in silico algorithms, and/or has population frequency not consistent with disease.

Breakthrough Genomics
Classification: Likely benign. Review status: criteria provided, single submitter. Criteria: ACMG Guidelines, 2015. Collection method: not provided. Allele origin: germline. Inheritance: Autosomal recessive inheritance. Affected: yes.